The following is an entry in ClinVar:

NM_153026.3(PRICKLE1):c.776G>A (p.Gly259Asp)

Genes: PRICKLE1 (prickle planar cell polarity protein 1; minus strand), LOC126861509 (BRD4-independent group 4 enhancer GRCh37_chr12:42858567-42859766; plus strand). Cytogenetic location: 12q12.
Variant type: single nucleotide variant.
Coding change: c.776G>A on transcript NM_153026.3 (MANE Select); coding-DNA position 776, G replaced by A.
Protein change: p.Gly259Asp; replaces glycine 259 with aspartic acid.
Molecular consequence: missense variant.
Genome position (GRCh38, 1-based): chr12:42,465,258, C>T on the plus strand (G>A on the coding strand, the complement: PRICKLE1 is on the minus strand). VCF-style: chr12-42465258-C-T. GRCh37 (hg19) VCF-style: chr12-42859060-C-T.
Other names: c.776G>A, p.Gly259Asp (NM_001144881.2, NM_001144882.2, NM_001144883.2); short protein forms G259D.
Identifiers: ClinVar variation 469515 (VCV000469515.12), dbSNP rs1555230194, ClinGen allele CA384443188.
Genomic context (GRCh38, chr12:42,465,258, plus strand): 5'-AAGCAGGCTTCCGTGGCGTGCCAGTGCTGCCCGTCATAGGTCATCTGTGCATGGTCCACA[C>T]CTGTTTTGAAAAGGATAGAATAAATAACAGGTTATGGTTTAATGCCTGAAACAAGGTATA-3'
Protein context (NP_694571.2, residues 249-269): EYCETCGEHI[Gly259Asp]VDHAQMTYDG

ClinVar aggregate classification (germline): Uncertain significance. Review status: criteria provided, multiple submitters, no conflicts (2 of 4 stars). 2 submissions from 2 submitters: Uncertain significance (2). Last evaluated 2025-09-02.

Conditions:
Epilepsy, progressive myoclonic, 1B. Also called: PME. Identifiers: Orphanet 308, MedGen C2676254, MONDO:0012904, OMIM 612437.

Submissions (2):

Labcorp Genetics (formerly Invitae), Labcorp
Classification: Uncertain significance for Epilepsy, progressive myoclonic, 1B. Last evaluated: 2025-09-02. Review status: criteria provided, single submitter. Criteria: Invitae Variant Classification Sherloc (09022015). Collection method: clinical testing. Allele origin: germline.
Comment: This sequence change replaces glycine, which is neutral and non-polar, with aspartic acid, which is acidic and polar, at codon 259 of the PRICKLE1 protein (p.Gly259Asp). This variant is not present in population databases (gnomAD no frequency). This variant has not been reported in the literature in individuals affected with PRICKLE1-related conditions. ClinVar contains an entry for this variant (Variation ID: 469515). An algorithm developed to predict the effect of missense changes on protein structure and function (PolyPhen-2) suggests that this variant is likely to be disruptive. In summary, the available evidence is currently insufficient to determine the role of this variant in disease. Therefore, it has been classified as a Variant of Uncertain Significance.

Blueprint Genetics
Classification: Uncertain significance. Last evaluated: 2024-09-18. Review status: criteria provided, single submitter. Criteria: ACMG Guidelines, 2015. Collection method: clinical testing. Allele origin: germline.